The following is an entry in ClinVar:

NM_004415.4(DSP):c.5133_5134insC (p.Asn1712fs)

Gene: DSP (desmoplakin; plus strand). Cytogenetic location: 6p24.3.
Variant type: Insertion.
Coding change: c.5133_5134insC on transcript NM_004415.4 (MANE Select); coding-DNA positions 5133 to 5134, C inserted.
Protein change: p.Asn1712fs; shifts the reading frame from asparagine 1712.
Molecular consequence: frameshift variant. On other transcripts: intron variant (2).
Genome position: GRCh38 VCF-style: chr6-7581323-G-GC. GRCh37 (hg19) VCF-style: chr6-7581556-G-GC.
Other names: c.4050+1083_4050+1084insC (NM_001319034.2); c.3583-1319_3583-1318insC (NM_001008844.3); short protein forms N1712fs.
Identifiers: ClinVar variation 2945257 (VCV002945257.3), dbSNP rs2533931709, ClinGen allele CA2740090886.

ClinVar aggregate classification (germline): Pathogenic (1 of 4 stars; one submission).

Conditions:
Arrhythmogenic cardiomyopathy with wooly hair and keratoderma. Also called: Dilated cardiomyopathy with woolly hair and keratoderma; PALMOPLANTAR KERATODERMA WITH LEFT VENTRICULAR CARDIOMYOPATHY AND WOOLLY HAIR; Carvajal syndrome; Arrhythmogenic cardiomyopathy with woolly hair and keratoderma. Identifiers: Orphanet 65282, MedGen C1854063, MONDO:0011581, OMIM 605676.
Arrhythmogenic right ventricular dysplasia 8 (ARVD8). Also called: Arrhythmogenic Right Ventricular Dysplasia/Cardiomyopathy 8; ARRHYTHMOGENIC RIGHT VENTRICULAR DYSPLASIA, FAMILIAL, 8; ARRHYTHMOGENIC RIGHT VENTRICULAR CARDIOMYOPATHY 8. Identifiers: MedGen C1843896, MONDO:0011831, OMIM 607450.

Submission:

Labcorp Genetics (formerly Invitae), Labcorp
Classification: Pathogenic for Arrhythmogenic cardiomyopathy with wooly hair and keratoderma; Arrhythmogenic right ventricular dysplasia 8. Last evaluated: 2023-03-13. Review status: criteria provided, single submitter. Criteria: Invitae Variant Classification Sherloc (09022015). Collection method: clinical testing. Allele origin: germline.
Comment: For these reasons, this variant has been classified as Pathogenic. This variant has not been reported in the literature in individuals affected with DSP-related conditions. This variant is not present in population databases (gnomAD no frequency). This sequence change creates a premature translational stop signal (p.Asn1712Glnfs*22) in the DSP gene. It is expected to result in an absent or disrupted protein product. Loss-of-function variants in DSP are known to be pathogenic (PMID: 20716751, 24503780, 25227139).

Literature cited by the submitters: PubMed 20716751; PubMed 24503780; PubMed 25227139.